The following is an entry in ClinVar:

NM_014049.5(ACAD9):c.542C>G (p.Thr181Arg)

Gene: ACAD9 (acyl-CoA dehydrogenase family member 9; plus strand). Cytogenetic location: 3q21.3.
Variant type: single nucleotide variant.
Coding change: c.542C>G on transcript NM_014049.5 (MANE Select); coding-DNA position 542, C replaced by G.
Protein change: p.Thr181Arg; replaces threonine 181 with arginine.
Molecular consequence: missense variant. On other transcripts: non-coding transcript variant (1).
Genome position (GRCh38, 1-based): chr3:128,896,524, C>G. VCF-style: chr3-128896524-C-G. GRCh37 (hg19) VCF-style: chr3-128615367-C-G.
Other names: p.Thr181Arg; c.173C>G, p.Thr58Arg (NM_001410805.1); short protein forms T181R, T58R.
Identifiers: ClinVar variation 4540919 (VCV004540919.1).

ClinVar aggregate classification (germline): Uncertain significance (1 of 4 stars; one submission).

Submission:

Mayo Clinic Laboratories, Mayo Clinic
Classification: Uncertain significance. Last evaluated: 2025-03-18. Review status: criteria provided, single submitter. Criteria: ACMG Guidelines, 2015. Collection method: clinical testing. Allele origin: germline. Observed: 1 variant allele.
Comment: PP3_moderate, PM2_supporting